The following is an entry in ClinVar:

NM_001101362.3(KBTBD13):c.269C>T (p.Ala90Val)

Gene: KBTBD13 (kelch repeat and BTB domain containing 13; plus strand). Cytogenetic location: 15q22.31.
Variant type: single nucleotide variant.
Coding change: c.269C>T on transcript NM_001101362.3 (MANE Select); coding-DNA position 269, C replaced by T.
Protein change: p.Ala90Val; replaces alanine 90 with valine.
Molecular consequence: missense variant.
Genome position (GRCh38, 1-based): chr15:65,077,084, C>T. VCF-style: chr15-65077084-C-T. GRCh37 (hg19) VCF-style: chr15-65369422-C-T.
Other names: short protein forms A90V.
Identifiers: ClinVar variation 2083858 (VCV002083858.4), dbSNP rs879424375, ClinGen allele CA271503241.

ClinVar aggregate classification (germline): Uncertain significance (1 of 4 stars; one submission).

Conditions:
Nemaline myopathy 6 (NEM6). Also called: Nemaline myopathy 6, autosomal dominant. Identifiers: Orphanet 171439, MedGen C1836472, MONDO:0012237, OMIM 609273.

Submission:

Labcorp Genetics (formerly Invitae), Labcorp
Classification: Uncertain significance for Nemaline myopathy 6. Last evaluated: 2026-01-09. Review status: criteria provided, single submitter. Criteria: Invitae Variant Classification Sherloc (09022015). Collection method: clinical testing. Allele origin: germline.
Comment: This sequence change replaces alanine, which is neutral and non-polar, with valine, which is neutral and non-polar, at codon 90 of the KBTBD13 protein (p.Ala90Val). This variant is not present in population databases (gnomAD no frequency). This variant has not been reported in the literature in individuals affected with KBTBD13-related conditions. ClinVar contains an entry for this variant (Variation ID: 2083858). Invitae Evidence Modeling of protein sequence and biophysical properties (such as structural, functional, and spatial information, amino acid conservation, physicochemical variation, residue mobility, and thermodynamic stability) indicates that this missense variant is not expected to disrupt KBTBD13 protein function with a negative predictive value of 80%. In summary, the available evidence is currently insufficient to determine the role of this variant in disease. Therefore, it has been classified as a Variant of Uncertain Significance.